The following is an entry in ClinVar:

NM_005359.6(SMAD4):c.598C>G (p.Leu200Val)

Gene: SMAD4 (SMAD family member 4; plus strand). Cytogenetic location: 18q21.2.
Variant type: single nucleotide variant.
Coding change: c.598C>G on transcript NM_005359.6 (MANE Select); coding-DNA position 598, C replaced by G.
Protein change: p.Leu200Val; replaces leucine 200 with valine.
Molecular consequence: missense variant. On other transcripts: non-coding transcript variant (2).
Genome position (GRCh38, 1-based): chr18:51,054,924, C>G. VCF-style: chr18-51054924-C-G. GRCh37 (hg19) VCF-style: chr18-48581294-C-G.
Other names: c.598C>G, p.Leu200Val (NM_001407041.1, NM_001407042.1, NM_001407043.1); short protein forms L200V.
Identifiers: ClinVar variation 2835110 (VCV002835110.4), dbSNP rs1477349147, ClinGen allele CA402461110.

ClinVar aggregate classification (germline): Uncertain significance. Review status: criteria provided, multiple submitters, no conflicts (2 of 4 stars). 2 submissions from 2 submitters: Uncertain significance (2). Last evaluated 2025-08-07.

Conditions:
Hereditary cancer-predisposing syndrome. Also called: Neoplastic Syndromes, Hereditary; Tumor predisposition; Hereditary Cancer Syndrome; Hereditary neoplastic syndrome. Identifiers: Orphanet 140162, MedGen C0027672, MeSH D009386, MONDO:0015356.
Familial thoracic aortic aneurysm and aortic dissection (TAAD). Also called: Thoracic aortic aneurysms and dissections. Identifiers: Orphanet 91387, MedGen C4707243, MONDO:0019625.
Juvenile polyposis syndrome (JPS). Identifiers: Orphanet 2929, MedGen C0345893, MONDO:0017380, OMIM 174900.

Allele frequency attached by ClinVar (database versions not stated): gnomAD exomes below 0.00001.
gnomAD v4.1: 2 of 1,614,192 alleles (0.00012%); highest among the groups gnomAD compares: South Asian, 0.0022%; no homozygotes.

Submissions (2):

Labcorp Genetics (formerly Invitae), Labcorp
Classification: Uncertain significance for Juvenile polyposis syndrome. Last evaluated: 2025-08-07. Review status: criteria provided, single submitter. Criteria: Invitae Variant Classification Sherloc (09022015). Collection method: clinical testing. Allele origin: germline.
Comment: This sequence change replaces leucine, which is neutral and non-polar, with valine, which is neutral and non-polar, at codon 200 of the SMAD4 protein (p.Leu200Val). This variant is present in population databases (no rsID available, gnomAD 0.003%). This variant has not been reported in the literature in individuals affected with SMAD4-related conditions. ClinVar contains an entry for this variant (Variation ID: 2835110). Invitae Evidence Modeling of protein sequence and biophysical properties (such as structural, functional, and spatial information, amino acid conservation, physicochemical variation, residue mobility, and thermodynamic stability) indicates that this missense variant is not expected to disrupt SMAD4 protein function with a negative predictive value of 95%. In summary, the available evidence is currently insufficient to determine the role of this variant in disease. Therefore, it has been classified as a Variant of Uncertain Significance.

Ambry Genetics
Classification: Uncertain significance for Hereditary cancer-predisposing syndrome; Familial thoracic aortic aneurysm and aortic dissection. Last evaluated: 2023-06-19. Review status: criteria provided, single submitter. Criteria: Ambry Variant Classification Scheme 2023. Collection method: clinical testing. Allele origin: germline.
Comment: The p.L200V variant (also known as c.598C>G), located in coding exon 4 of the SMAD4 gene, results from a C to G substitution at nucleotide position 598. The leucine at codon 200 is replaced by valine, an amino acid with highly similar properties. This amino acid position is not well conserved in available vertebrate species. In addition, the in silico prediction for this alteration is inconclusive. Since supporting evidence is limited at this time, the clinical significance of this alteration remains unclear.